The following is an entry in ClinVar:

NM_139027.6(ADAMTS13):c.3909+32T>C

Gene: ADAMTS13 (ADAM metallopeptidase with thrombospondin type 1 motif 13; plus strand). Cytogenetic location: 9q34.2.
Variant type: single nucleotide variant.
Coding change: c.3909+32T>C on transcript NM_139027.6 (MANE Select); 32 bases into the intron after coding-DNA position 3909, T replaced by C.
Molecular consequence: intron variant.
Genome position (GRCh38, 1-based): chr9:133,458,126, T>C. VCF-style: chr9-133458126-T-C. GRCh37 (hg19) VCF-style: chr9-136323248-T-C.
Other names: c.4077+32T>C (NM_139025.5); c.3816+32T>C (NM_139026.6).
Identifiers: ClinVar variation 262449 (VCV000262449.5), dbSNP rs3094374, ClinGen allele CA10587050.
Genomic context (GRCh38, chr9:133,458,126, plus strand): 5'-CCGAGGGAGCCAATGCCAGCTACATCTTGGTGAGGCCCAGCATGGGGACTTGTGCTGTGA[T>C]TCTGGACAGCTTTCCCTAGGGCGTGCAGGGCTAGGGGACCCCCTTCAGTTTATTTCAGAC-3'

ClinVar aggregate classification (germline): Benign/Likely benign. Review status: criteria provided, multiple submitters, no conflicts (2 of 4 stars). 3 submissions from 3 submitters: Benign (1); Likely benign (2). Last evaluated 2020-02-17.

Allele frequency attached by ClinVar (database versions not stated): 1000 Genomes Project 30x 0.03154; 1000 Genomes Project 0.03275; TOPMed 0.05575; gnomAD 0.05960 and 0.06065; gnomAD exomes 0.06134 and 0.08050; ExAC 0.06408; ESP Exome Variant Server 0.06448.
gnomAD v4.1: 126,031 of 1,608,938 alleles (7.8%); highest among the groups gnomAD compares: Non-Finnish European, 9.1%; 5,620 homozygotes.

Submissions (3):

GeneDx
Classification: Benign. Last evaluated: 2020-02-17. Review status: criteria provided, single submitter. Criteria: GeneDx Variant Classification Process June 2021. Collection method: clinical testing. Allele origin: germline. Affected: yes.
Comment: This variant is associated with the following publications: (PMID: 25242241)

Breakthrough Genomics
Classification: Likely benign. Review status: criteria provided, single submitter. Criteria: ACMG Guidelines, 2015. Collection method: not provided. Allele origin: germline. Inheritance: Autosomal recessive inheritance. Affected: yes.

PreventionGenetics, part of Exact Sciences
Classification: Likely benign. Review status: criteria provided, single submitter. Criteria: ACMG Guidelines, 2015. Collection method: clinical testing. Allele origin: germline.